The following is an entry in ClinVar:

ClinVar aggregate classification (germline): Uncertain significance. Review status: criteria provided, single submitter (1 of 4 stars). 3 submissions from 3 submitters: Uncertain significance (1). 2 of the submissions do not count toward it. Last evaluated 2021-08-28.

Conditions:
Charcot-Marie-Tooth disease. Also called: Charcot-Marie-Tooth Neuropathy; Charcot-Marie-Tooth Hereditary Neuropathy. Identifiers: Orphanet 166, MedGen C0007959, MONDO:0015626.
Charcot-Marie-Tooth disease type 2. Also called: Charcot-Marie-Tooth type 2. Identifiers: Orphanet 64746, MedGen C0270914, MONDO:0018993.
Charcot-Marie-Tooth disease type 2A2. Also called: HEREDITARY MOTOR AND SENSORY NEUROPATHY IIA2; HMSN IIA2; CHARCOT-MARIE-TOOTH DISEASE, AXONAL, TYPE 2A2; CHARCOT-MARIE-TOOTH DISEASE, NEURONAL, TYPE 2A2; Charcot-Marie-Tooth Neuropathy Type 2A2; CHARCOT-MARIE-TOOTH DISEASE, AXONAL, AUTOSOMAL DOMINANT, TYPE 2A2A. Identifiers: Orphanet 99947, MedGen C4721887, MONDO:0012231, OMIM 609260.

Submissions (3):

Labcorp Genetics (formerly Invitae), Labcorp
Classification: Uncertain significance for Charcot-Marie-Tooth disease type 2. Last evaluated: 2021-08-28. Review status: criteria provided, single submitter. Criteria: Invitae Variant Classification Sherloc (09022015). Collection method: clinical testing. Allele origin: germline.
Comment: This variant is not present in population databases (ExAC no frequency). In summary, the available evidence is currently insufficient to determine the role of this variant in disease. Therefore, it has been classified as a Variant of Uncertain Significance. Advanced modeling of protein sequence and biophysical properties (such as structural, functional, and spatial information, amino acid conservation, physicochemical variation, residue mobility, and thermodynamic stability) performed at Invitae indicates that this missense variant is expected to disrupt MFN2 protein function. ClinVar contains an entry for this variant (Variation ID: 637746). This variant has been observed in individual(s) with Charcot-Marie-Tooth disease (PMID: 22492563). This sequence change replaces threonine with asparagine at codon 232 of the MFN2 protein (p.Thr232Asn). The threonine residue is highly conserved and there is a small physicochemical difference between threonine and asparagine.

Clinical Genetics Laboratory, University Hospital Schleswig-Holstein
Classification: Likely pathogenic for Charcot-Marie-Tooth disease type 2A2. Last evaluated: 2022-03-01. Review status: no assertion criteria provided. Collection method: clinical testing. Allele origin: germline. Affected: yes. Not counted in ClinVar's aggregate classification.

Inherited Neuropathy Consortium
Classification: Uncertain significance for Charcot-Marie-Tooth disease. Review status: no assertion criteria provided. Collection method: literature only. Allele origin: germline. Affected: yes. Not counted in ClinVar's aggregate classification.

Literature cited by the submitters: PubMed 22492563 (cited by Labcorp Genetics (formerly Invitae), Labcorp and Inherited Neuropathy Consortium).

NM_014874.4(MFN2):c.695C>A (p.Thr232Asn)

Gene: MFN2 (mitofusin 2; plus strand). Cytogenetic location: 1p36.22.
Variant type: single nucleotide variant.
Coding change: c.695C>A on transcript NM_014874.4 (MANE Select); coding-DNA position 695, C replaced by A.
Protein change: p.Thr232Asn; replaces threonine 232 with asparagine.
Molecular consequence: missense variant.
Genome position (GRCh38, 1-based): chr1:11,998,865, C>A. VCF-style: chr1-11998865-C-A. GRCh37 (hg19) VCF-style: chr1-12058922-C-A.
Other names: c.695C>A, p.Thr232Asn (NM_001127660.2); short protein forms T232N.
Identifiers: ClinVar variation 637746 (VCV000637746.10), dbSNP rs1569842764, ClinGen allele CA338438533.
Genomic context (GRCh38, chr1:11,998,865, plus strand): 5'-GGATTGACAAGTTTTGTCTGGATGCTGATGTGTTTGTGCTGGTGGCCAACTCAGAGTCCA[C>A]CCTGATGCAGACGGTAACTCCTCCTCTGCCTTCTCCCAAGCTCCCAGCACCCCCTGGGCA-3'
Protein context (NP_055689.1, residues 222-242): VFVLVANSES[Thr232Asn]LMQTEKHFFH